The following is an entry in ClinVar:

NM_001163435.3(TBCK):c.376C>T (p.Arg126Ter)

Gene: TBCK (TBC1 domain containing kinase; minus strand). Cytogenetic location: 4q24.
Variant type: single nucleotide variant.
Coding change: c.376C>T on transcript NM_001163435.3 (MANE Select); coding-DNA position 376, C replaced by T.
Protein change: p.Arg126Ter; replaces arginine 126 with a stop codon.
Molecular consequence: nonsense. On other transcripts: 5 prime UTR variant (1), intron variant (1).
Genome position (GRCh38, 1-based): chr4:106,262,103, G>A on the plus strand (C>T on the coding strand, the complement: TBCK is on the minus strand). VCF-style: chr4-106262103-G-A. GRCh37 (hg19) VCF-style: chr4-107183260-G-A.
Other names: NM_001163435.3(TBCK):c.376C>T; p.Arg126Ter; c.376C>T, p.Arg126Ter (NM_001163436.4, NM_001163437.3); c.-242C>T (NM_001290768.2); c.267-10096C>T (NM_033115.5); short protein forms R126*.
Identifiers: ClinVar variation 225235 (VCV000225235.37), dbSNP rs575822089, ClinGen allele CA358316.

ClinVar aggregate classification (germline): Pathogenic. Review status: criteria provided, multiple submitters, no conflicts (2 of 4 stars). 18 submissions from 18 submitters: Pathogenic (13). 5 of the submissions do not count toward it. Last evaluated 2026-04-08.

Conditions:
Syndromic Infantile Encephalopathy.
TBCK-related disorder. Also called: TBCK-related condition; TBCK-related disorders.
Hypotonia, infantile, with psychomotor retardation and characteristic facies 3 (IHPRF3). Also called: TBCK-Related Neurodevelopmental Disorder. Identifiers: Orphanet 488632, MedGen C5567480, MONDO:0014823, OMIM 616900.
Inborn genetic diseases. Identifiers: MedGen C0950123, MeSH D030342.

Allele frequency attached by ClinVar (database versions not stated): gnomAD exomes 0.00008; ExAC 0.00014; gnomAD 0.00023 and 0.00024; 1000 Genomes Project 30x 0.00031; 1000 Genomes Project 0.00040; TOPMed 0.00078.
gnomAD v4.1: 118 of 1,510,172 alleles (0.0078%); highest among the groups gnomAD compares: Admixed American, 0.11%; no homozygotes.

Submissions 1 to 9 of 18:

PreventionGenetics, part of Exact Sciences
Classification: Pathogenic for TBCK-related condition. Last evaluated: 2026-04-08. Review status: criteria provided, single submitter. Criteria: ACMG Guidelines, 2015. Collection method: clinical testing. Allele origin: germline.
Comment: The TBCK c.376C>T variant is predicted to result in premature protein termination (p.Arg126*). This variant has been reported in the homozygous and compound heterozygous states in multiple individuals with infantile hypotonia with psychomotor disability and characteristic facies (Chong et al. 2016. PubMed ID: 27040692; Bhoj et al. 2016. PubMed ID: 27040691; Ortiz-González et al. 2018. PubMed ID: 29283439; Table S1, Baker et al. 2019. PubMed ID: 30577886; Table S1, Ziats et al. 2019. PubMed ID: 31618753). This variant is reported in 0.031% of alleles in individuals of Latino descent in gnomAD. Nonsense variants in TBCK are expected to be pathogenic. This variant is interpreted as pathogenic.

Labcorp Genetics (formerly Invitae), Labcorp
Classification: Pathogenic. Last evaluated: 2026-02-03. Review status: criteria provided, single submitter. Criteria: Invitae Variant Classification Sherloc (09022015). Collection method: clinical testing. Allele origin: germline.
Comment: This sequence change creates a premature translational stop signal (p.Arg126*) in the TBCK gene. It is expected to result in an absent or disrupted protein product. Loss-of-function variants in TBCK are known to be pathogenic (PMID: 27040692, 30103036). This variant is present in population databases (rs575822089, gnomAD 0.03%). This premature translational stop signal has been observed in individuals with TBCK-related severe infantile syndromic encephalopathy or TBCK-related intellectual disability and hypotonia syndrome (PMID: 27040691, 27040692). ClinVar contains an entry for this variant (Variation ID: 225235). For these reasons, this variant has been classified as Pathogenic.

Daryl Scott Lab, Baylor College of Medicine
Classification: Pathogenic for Hypotonia, infantile, with psychomotor retardation and characteristic facies 3. Last evaluated: 2025-08-25. Review status: criteria provided, single submitter. Criteria: ACMG Guidelines, 2015. Collection method: clinical testing. Allele origin: unknown. Affected: yes. Observed: 1 homozygote.
Comment: PVS1, PS4, PM3

Broad Center for Mendelian Genomics, Broad Institute of MIT and Harvard
Classification: Pathogenic for Hypotonia, infantile, with psychomotor retardation and characteristic facies 3. Last evaluated: 2025-01-15. Review status: criteria provided, single submitter. Criteria: ACMG Guidelines, 2015. Collection method: curation. Allele origin: germline. Inheritance: Autosomal recessive inheritance.
Comment: The p.Arg126Ter variant in TBCK has been reported in at least 10 individuals with TBCK-related intellectual disability syndrome (PMID: 27040692, 27040691, 29283439, 31618753; DOI: 10.1055:s-0039-1684016), segregated with disease in 2 affected relatives from 2 families, and has been identified in 0.1% (53/47944) of Latino/Admixed American chromosomes by the Genome Aggregation Database (gnomAD; dbSNP ID: rs575822089). Although this variant has been seen in the general population in a heterozygous state, its frequency is not high enough to rule out a pathogenic role. This variant has also been reported in ClinVar (Variation ID: 225235) and has been interpreted as pathogenic by many submitters. Of the many affected individuals, at least eight of those were homozygotes, which increases the likelihood that the p.Arg126Ter variant is pathogenic (Variation ID: 27040692, 27040691, 29283439). In vitro functional studies provide some evidence that the p.Arg126Ter variant may impact protein function (PMID: 27040692, 29283439, 34816123). However, these types of assays may not accurately represent biological function. This nonsense variant leads to a premature termination codon at position 126, which is predicted to lead to a truncated or absent protein. Loss of function of the TBCK gene is an established disease mechanism in autosomal recessive TBCK-related intellectual disability syndrome. In summary, this variant meets criteria to be classified as pathogenic for autosomal recessive TBCK-related intellectual disability syndrome. ACMG/AMP Criteria applied: PVS1, PM3_strong, PS3_moderate, PP1 (Richards 2015).

3billion
Classification: Pathogenic for Hypotonia, infantile, with psychomotor retardation and characteristic facies 3. Last evaluated: 2024-11-07. Review status: criteria provided, single submitter. Criteria: ACMG Guidelines, 2015. Collection method: clinical testing. Allele origin: germline. Affected: yes.
Comment: The variant is observed at an extremely low frequency in the gnomAD v4.1.0 dataset (total allele frequency: 0.008%). Predicted Consequence/Location: Stop-gained (nonsense): predicted to result in a loss or disruption of normal protein function through nonsense-mediated decay (NMD) or protein truncation. Multiple pathogenic variants are reported downstream of the variant. The variant has been reported at least twice as pathogenic with clinical assertions and evidence for the classification (ClinVar ID: VCV000225235 /PMID: 27040692). Therefore, this variant is classified as Pathogenic according to the recommendation of ACMG/AMP guideline.

Greenwood Genetic Center Diagnostic Laboratories, Greenwood Genetic Center
Classification: Pathogenic for Hypotonia, infantile, with psychomotor retardation and characteristic facies 3. Last evaluated: 2022-07-29. Review status: criteria provided, single submitter. Criteria: ACMG Guidelines, 2015. Collection method: clinical testing. Allele origin: germline. Affected: yes.
Comment: PVS1, PM2, PM3

Blueprint Genetics
Classification: Pathogenic for TBCK-related disorders. Last evaluated: 2022-04-06. Review status: criteria provided, single submitter. Criteria: ACMG Guidelines, 2015. Collection method: clinical testing. Allele origin: germline. Affected: yes. Observed: 5 variant alleles.

GeneDx
Classification: Pathogenic. Last evaluated: 2021-11-15. Review status: criteria provided, single submitter. Criteria: GeneDx Variant Classification Process June 2021. Collection method: clinical testing. Allele origin: germline. Affected: yes.
Comment: Nonsense variant predicted to result in protein truncation or nonsense mediated decay in a gene for which loss-of-function is a known mechanism of disease; This variant is associated with the following publications: (PMID: 27040692, 27040691, 29283439, 30577886)

Ambry Genetics
Classification: Pathogenic for Inborn genetic diseases. Last evaluated: 2021-10-01. Review status: criteria provided, single submitter. Criteria: Ambry Variant Classification Scheme 2023. Collection method: clinical testing. Allele origin: germline.
Comment: The c.376C>T (p.R126*) alteration, located in exon 4 (coding exon 3) of the TBCK gene, consists of a C to T substitution at nucleotide position 376. This changes the amino acid from a Arginine (R) to a stop codon at amino acid position 126. This alteration is expected to result in loss of function by premature protein truncation or nonsense-mediated mRNA decay. Based on data from gnomAD, the T allele has an overall frequency of 0.007% (13/173798) total alleles studied. This alteration has been described in the homozygous state and compound heterozygous with a second TBCK variant in multiple unrelated individuals, primarily of Puerto Rican descent (Bhoj, 2016; Chong, 2016; Ortiz-Gonzalez, 2018; Baker, 2019; Ziats, 2020). Additionally, we have identified this variant in the homozygous state via whole exome sequencing at Ambry Genetics in four patients with clinical features of TBCK-related neurodevelopmental disorders. Based on the available evidence, this alteration is classified as pathogenic.